The following is an entry in ClinVar:

NM_000132.4(F8):c.5093T>C (p.Ile1698Thr)

Gene: F8 (coagulation factor VIII; minus strand). Cytogenetic location: Xq28.
Variant type: single nucleotide variant.
Coding change: c.5093T>C on transcript NM_000132.4 (MANE Select); coding-DNA position 5093, T replaced by C.
Protein change: p.Ile1698Thr; replaces isoleucine 1698 with threonine.
Molecular consequence: missense variant.
Genome position (GRCh38, 1-based): chrX:154,928,697, A>G on the plus strand (T>C on the coding strand, the complement: F8 is on the minus strand). VCF-style: chrX-154928697-A-G. GRCh37 (hg19) VCF-style: chrX-154156972-A-G.
Other names: short protein forms I1698T.
Identifiers: ClinVar variation 993691 (VCV000993691.8), dbSNP rs2073173387, ClinGen allele CA414913972.

ClinVar aggregate classification (germline): Likely pathogenic (1 of 4 stars; one submission).

Conditions:
Hereditary factor VIII deficiency disease (HEMA). Also called: AUTOSOMAL HEMOPHILIA A; Hemophilia A, congenital; HEM A; Factor 8 deficiency, congenital; HEMOPHILIA, CLASSIC; Hemophilia A. Identifiers: Orphanet 98878, MedGen C0019069, MONDO:0010602, OMIM 306700.

Allele frequency attached by ClinVar (database versions not stated): gnomAD exomes below 0.00001; TOPMed 0.00001.
gnomAD v4.1: 2 of 1,209,667 alleles (0.00017%); highest among the groups gnomAD compares: Non-Finnish European, 0.00022%; no homozygotes.

Submission:

ARUP Laboratories, Molecular Genetics and Genomics, ARUP Laboratories
Classification: Likely pathogenic for Hereditary factor VIII deficiency disease. Last evaluated: 2020-04-07. Review status: criteria provided, single submitter. Criteria: ARUP Molecular Germline Variant Investigation Process. Collection method: clinical testing. Allele origin: germline.
Comment: The F8 c.5093T>C; p.Ile1698Thr, also known as Ile1679Thr, is reported in several individuals with mild to moderate hemophilia A (see link to F8 database and references therein). The variant is absent from general population databases (Exome Variant Server, Genome Aggregation Database), indicating it is not a common polymorphism. The isoleucine at codon 1698 is highly conserved, and computational analyses (SIFT, PolyPhen-2) predict that this variant is deleterious. Additionally, p.Ile1698Thr variant F8 protein has reduced thermostability (Pahl 2014). Considering available information, this variant is classified as likely pathogenic. REFERENCES Link to F8 database: Pahl S et al. Effect of F8 B domain gene variants on synthesis, secretion, activity and stability of factor VIII protein. Thromb Haemost. 2014 Jan;111(1):58-66.